The following is an entry in ClinVar:

ClinVar aggregate classification (germline): Conflicting classifications of pathogenicity. Review status: criteria provided, conflicting classifications (1 of 4 stars). 7 submissions from 7 submitters: Uncertain significance (2); Benign (1); Likely benign (4). Last evaluated 2026-02-01.

Conditions:
Hermansky-Pudlak syndrome 2 (HPS2). Also called: Platelet defects and oculocutaneous albinism. Identifiers: Orphanet 183678, Orphanet 79430, MedGen C1842362, MONDO:0011997, OMIM 608233.

Allele frequency attached by ClinVar (database versions not stated): ESP Exome Variant Server 0.00023; ExAC 0.00145; TOPMed 0.00156; 1000 Genomes Project 30x 0.00172; gnomAD exomes 0.00189 and 0.00060; 1000 Genomes Project 0.00200; gnomAD 0.00093 and 0.00109.
gnomAD v4.1: 1,046 of 1,612,038 alleles (0.065%); highest among the groups gnomAD compares: Admixed American, 0.84%; 7 homozygotes.

Submissions (12):

Labcorp Genetics (formerly Invitae), Labcorp
Classification: Likely benign for Hermansky-Pudlak syndrome 2. Last evaluated: 2026-02-01. Review status: criteria provided, single submitter. Criteria: Invitae Variant Classification Sherloc (09022015). Collection method: clinical testing. Allele origin: germline.

Mayo Clinic Laboratories, Mayo Clinic
Classification: Benign. Last evaluated: 2024-12-10. Review status: criteria provided, single submitter. Criteria: ACMG Guidelines, 2015. Collection method: clinical testing. Allele origin: germline. Observed: 5 variant alleles.
Comment: BS1, BS2

Blueprint Genetics
Classification: Likely benign. Last evaluated: 2024-11-21. Review status: criteria provided, single submitter. Criteria: ACMG Guidelines, 2015. Collection method: clinical testing. Allele origin: germline.

Women's Health and Genetics/Laboratory Corporation of America, LabCorp
Classification: Likely benign. Last evaluated: 2023-10-20. Review status: criteria provided, single submitter. Criteria: LabCorp Variant Classification Summary - May 2015. Collection method: clinical testing. Allele origin: germline.
Comment: Variant summary: AP3B1 c.942G>A (p.Ala314Ala) alters a conserved nucleotide located close to a canonical splice site and therefore could affect mRNA splicing, leading to a significantly altered protein sequence. Several computational tools predict a significant impact on normal splicing: Three predict the variant abolishes the 5' canonical splicing donor site. One predict the variant weakens the 5' canonical splicing donor site. However, these predictions have yet to be confirmed by functional studies. The variant allele was found at a frequency of 0.0019 in 250310 control chromosomes, predominantly at a frequency of 0.0097 within the Latino subpopulation in the gnomAD database, including 1 homozygotes. The observed variant frequency within Latino control individuals in the gnomAD database is approximately 20 fold of the estimated maximal expected allele frequency for a pathogenic variant in AP3B1 causing Hermansky-Pudlak Syndrome phenotype (0.0005), strongly suggesting that the variant is a benign polymorphism found primarily in populations of Latino origin. To our knowledge, no occurrence of c.942G>A in individuals affected with Hermansky-Pudlak Syndrome and no experimental evidence demonstrating its impact on protein function have been reported. Three submitters have cited clinical-significance assessments for this variant to ClinVar after 2014 (likely benign, n=2; VUS, n=1). Based on the evidence outlined above, the variant was classified as likely benign.

Department of Pathology and Laboratory Medicine, Sinai Health System
Classification: Uncertain significance for Hermansky-Pudlak syndrome 2. Last evaluated: 2021-12-13. Review status: criteria provided, single submitter. Criteria: ACMG Guidelines, 2015. Collection method: research. Allele origin: germline.

GeneDx
Classification: Uncertain significance. Last evaluated: 2019-07-10. Review status: criteria provided, single submitter. Criteria: GeneDx Variant Classification Process June 2021. Collection method: clinical testing. Allele origin: germline. Affected: yes.
Comment: Has not been previously published as pathogenic or benign to our knowledge; In-silico analysis, which includes splice predictors and evolutionary conservation, is inconclusive as to whether the variant alters gene splicing. In the absence of RNA/functional studies, the actual effect of this sequence change is unknown

Illumina Laboratory Services, Illumina
Classification: Likely benign for Hermansky-Pudlak syndrome 2. Last evaluated: 2018-01-12. Review status: criteria provided, single submitter. Criteria: ICSL Variant Classification Criteria 13 December 2019. Collection method: clinical testing. Allele origin: germline.
Comment: This variant was observed in the ICSL laboratory as part of a predisposition screen in an ostensibly healthy population. It had not been previously curated by ICSL or reported in the Human Gene Mutation Database (HGMD: prior to June 1st, 2018), and was therefore a candidate for classification through an automated scoring system. Utilizing variant allele frequency, disease prevalence and penetrance estimates, and inheritance mode, an automated score was calculated to assess if this variant is too frequent to cause the disease. Based on the score and internal cut-off values, a variant classified as likely benign is not then subjected to further curation. The score for this variant resulted in a classification of likely benign for this disease.

Dr. Peter K. Rogan Lab, Western University
No classification provided (evidence only). Condition: Clear cell carcinoma of kidney. Review status: no classification provided. Collection method: in vitro. Allele origin: not applicable. Functional consequence: retained intron. Not counted in ClinVar's aggregate classification.

Dr. Peter K. Rogan Lab, Western University
No classification provided (evidence only). Condition: Clear cell carcinoma of kidney. Review status: no classification provided. Collection method: in vitro. Allele origin: not applicable. Functional consequence: retained intron. Not counted in ClinVar's aggregate classification.

Dr. Peter K. Rogan Lab, Western University
No classification provided (evidence only). Condition: Familial cancer of breast. Review status: no classification provided. Collection method: in vitro. Allele origin: not applicable. Functional consequence: retained intron. Not counted in ClinVar's aggregate classification.

Dr. Peter K. Rogan Lab, Western University
No classification provided (evidence only). Condition: Thyroid cancer, nonmedullary, 1. Review status: no classification provided. Collection method: in vitro. Allele origin: not applicable. Functional consequence: retained intron. Not counted in ClinVar's aggregate classification.

Dr. Peter K. Rogan Lab, Western University
No classification provided (evidence only). Condition: Hepatocellular carcinoma. Review status: no classification provided. Collection method: in vitro. Allele origin: not applicable. Functional consequence: retained intron. Not counted in ClinVar's aggregate classification.

NM_003664.5(AP3B1):c.942G>A (p.Ala314=)

Gene: AP3B1 (adaptor related protein complex 3 subunit beta 1; minus strand). Cytogenetic location: 5q14.1.
Variant type: single nucleotide variant.
Coding change: c.942G>A on transcript NM_003664.5 (MANE Select); coding-DNA position 942, G replaced by A.
Protein change: p.Ala314=; no amino-acid change (alanine 314 retained).
Molecular consequence: synonymous variant.
Genome position (GRCh38, 1-based): chr5:78,181,507, C>T on the plus strand (G>A on the coding strand, the complement: AP3B1 is on the minus strand). VCF-style: chr5-78181507-C-T. GRCh37 (hg19) VCF-style: chr5-77477331-C-T.
Other names: p.Ala314=; c.795G>A, p.Ala265= (NM_001271769.2); c.942G>A (NM_003664.3).
Identifiers: ClinVar variation 354245 (VCV000354245.21), dbSNP rs146871001, ClinGen allele CA3317256.